The following is an entry in ClinVar:

ClinVar aggregate classification (germline): Uncertain significance. Review status: criteria provided, multiple submitters, no conflicts (2 of 4 stars). 2 submissions from 2 submitters: Uncertain significance (2). Last evaluated 2022-09-22.

Conditions:
Inborn genetic diseases. Identifiers: MedGen C0950123, MeSH D030342.

Allele frequency attached by ClinVar (database versions not stated): ExAC 0.00001; gnomAD exomes 0.00001; gnomAD 0.00006; TOPMed 0.00008; 1000 Genomes Project 0.00020; 1000 Genomes Project 30x 0.00031.
gnomAD v4.1: 32 of 1,582,760 alleles (0.002%); highest among the groups gnomAD compares: Admixed American, 0.01%; no homozygotes.

Submissions (2):

Labcorp Genetics (formerly Invitae), Labcorp
Classification: Uncertain significance. Last evaluated: 2022-09-22. Review status: criteria provided, single submitter. Criteria: Invitae Variant Classification Sherloc (09022015). Collection method: clinical testing. Allele origin: germline.
Comment: ClinVar contains an entry for this variant (Variation ID: 1387011). In summary, the available evidence is currently insufficient to determine the role of this variant in disease. Therefore, it has been classified as a Variant of Uncertain Significance. Variants that disrupt the consensus splice site are a relatively common cause of aberrant splicing (PMID: 17576681, 9536098). Algorithms developed to predict the effect of sequence changes on RNA splicing suggest that this variant is not likely to affect RNA splicing. This variant has not been reported in the literature in individuals affected with KIF11-related conditions. This variant is present in population databases (rs192601648, gnomAD 0.01%). This sequence change falls in intron 12 of the KIF11 gene. It does not directly change the encoded amino acid sequence of the KIF11 protein. It affects a nucleotide within the consensus splice site.

Ambry Genetics
Classification: Uncertain significance for Inborn genetic diseases. Last evaluated: 2022-08-05. Review status: criteria provided, single submitter. Criteria: Ambry Variant Classification Scheme 2023. Collection method: clinical testing. Allele origin: germline.
Comment: The c.1495-3T>C intronic alteration consists of a T to C substitution 3 nucleotides before coding exon 13 in the KIF11 gene. Based on insufficient or conflicting evidence, the clinical significance of this alteration remains unclear.

Literature cited by the submitters: PubMed 17576681 (cited by Labcorp Genetics (formerly Invitae), Labcorp); PubMed 9536098 (cited by Labcorp Genetics (formerly Invitae), Labcorp).

NM_004523.4(KIF11):c.1495-3T>C

Gene: KIF11 (kinesin family member 11; plus strand). Cytogenetic location: 10q23.33.
Variant type: single nucleotide variant.
Coding change: c.1495-3T>C on transcript NM_004523.4 (MANE Select); 3 bases into the intron before coding-DNA position 1495, T replaced by C.
Molecular consequence: intron variant.
Genome position (GRCh38, 1-based): chr10:92,632,483, T>C. VCF-style: chr10-92632483-T-C. GRCh37 (hg19) VCF-style: chr10-94392240-T-C.
Other names: c.1495-3T>C (NM_004523.3).
Identifiers: ClinVar variation 1387011 (VCV001387011.7), dbSNP rs192601648, ClinGen allele CA5604218.